The following is an entry in ClinVar:

ClinVar aggregate classification (germline): Likely pathogenic (1 of 4 stars; one submission).

Conditions:
Polycystic kidney disease 4 (PKD4). Also called: POLYCYSTIC KIDNEY AND HEPATIC DISEASE 1; POLYCYSTIC KIDNEY DISEASE, INFANTILE, TYPE I; POLYCYSTIC KIDNEY DISEASE 4 WITH OR WITHOUT POLYCYSTIC LIVER DISEASE; PKD3; Autosomal Recessive Polycystic Kidney Disease – PKHD1. Identifiers: MedGen C4540575, MONDO:0033004, OMIM 263200.

Submission:

Myriad Genetics, Inc.
Classification: Likely pathogenic for Polycystic kidney disease 4. Last evaluated: 2022-03-10. Review status: criteria provided, single submitter. Criteria: Myriad Women's Health Autosomal Recessive and X-Linked Classification Criteria (2021). Collection method: clinical testing. Allele origin: unknown.
Comment: NM_138694.3(PKHD1):c.304G>T(E102*) is expected to be pathogenic in the context of autosomal recessive polycystic kidney disease, PKHD1-related. This variant is predicted to lead to an abnormal or absent protein product due to the creation of a premature termination codon in PKHD1, a gene where loss-of-function variants are known to be pathogenic. Please note: this variant was assessed in the context of healthy population screening.

NM_138694.4(PKHD1):c.304G>T (p.Glu102Ter)

Gene: PKHD1 (PKHD1 ciliary IPT domain containing fibrocystin/polyductin; minus strand). Cytogenetic location: 6p12.2.
Variant type: single nucleotide variant.
Coding change: c.304G>T on transcript NM_138694.4 (MANE Select); coding-DNA position 304, G replaced by T.
Protein change: p.Glu102Ter; replaces glutamic acid 102 with a stop codon.
Molecular consequence: nonsense.
Genome position (GRCh38, 1-based): chr6:52,079,986, C>A on the plus strand (G>T on the coding strand, the complement: PKHD1 is on the minus strand). VCF-style: chr6-52079986-C-A. GRCh37 (hg19) VCF-style: chr6-51944784-C-A.
Other names: c.304G>T, p.Glu102Ter (NM_170724.3); short protein forms E102*.
Identifiers: ClinVar variation 1725153 (VCV001725153.2), dbSNP rs2533718182, ClinGen allele CA364439733.